The following is an entry in ClinVar:

ClinVar aggregate classification (germline): Likely pathogenic (1 of 4 stars; one submission).

Conditions:
TRIM32-related disorder. Also called: TRIM32-related condition.

Submission:

PreventionGenetics, part of Exact Sciences
Classification: Likely pathogenic for TRIM32-related condition. Last evaluated: 2026-06-02. Review status: criteria provided, single submitter. Criteria: ACMG Guidelines, 2015. Collection method: clinical testing. Allele origin: germline.
Comment: The TRIM32 c.1415delC variant is predicted to result in a frameshift and premature protein termination (p.Pro472Hisfs*13). To our knowledge, this variant has not been reported in the literature or in a large population database (gnomAD), indicating this variant is rare. Frameshift variants in TRIM32 are expected to be pathogenic. This variant is interpreted as likely pathogenic.

NM_012210.4(TRIM32):c.1415del (p.Pro472fs)

Genes: ASTN2 (astrotactin 2; minus strand), TRIM32 (tripartite motif containing 32; plus strand). Cytogenetic location: 9q33.1.
Variant type: Deletion.
Coding change: c.1415del on transcript NM_012210.4 (MANE Select); coding-DNA position 1415, one base deleted (C; older notation c.1415delC).
Protein change: p.Pro472fs; shifts the reading frame from proline 472.
Molecular consequence: frameshift variant. On other transcripts: intron variant (3).
Genome position (GRCh38, 1-based): chr9:116,699,157, C deleted; the last of 2 consecutive C bases (chr9:116,699,156-116,699,157); deleting either gives the same sequence. VCF-style (leftmost placement, unchanged base first): chr9-116699155-AC-A. GRCh37 (hg19) VCF-style: chr9-119461434-AC-A.
Other names: c.1415del, p.Pro472fs (NM_001099679.2, NM_001379048.1, NM_001379049.1 and 1 more transcripts); c.2653+26615del (NM_014010.5); c.2794+26615del (NM_001365069.1); c.2806+26615del (NM_001365068.1); short protein forms P472fs.
Identifiers: ClinVar variation 4996130 (VCV004996130.1).